The following is an entry in ClinVar:

NM_001572.5(IRF7):c.394+6C>A

Gene: IRF7 (interferon regulatory factor 7; minus strand). Cytogenetic location: 11p15.5.
Variant type: single nucleotide variant.
Coding change: c.394+6C>A on transcript NM_001572.5 (MANE Select); 6 bases into the intron after coding-DNA position 394, C replaced by A.
Molecular consequence: intron variant.
Genome position (GRCh38, 1-based): chr11:614,791, G>T on the plus strand (C>A on the coding strand, the complement: IRF7 is on the minus strand). VCF-style: chr11-614791-G-T. GRCh37 (hg19) VCF-style: chr11-614791-G-T.
Other names: c.394+6C>A (NM_004029.4); c.433+6C>A (NM_004031.4).
Identifiers: ClinVar variation 1506746 (VCV001506746.6), dbSNP rs1039580826, ClinGen allele CA597020336.
Genomic context (GRCh38, chr11:614,791, plus strand): 5'-CAGAGAATGTTCCCCTTTGCCCAAGCAGGACGAATGCCAACGCCCTTGGCAGCCGGCGTC[G>T]CTCACCTCGCCAGCACAGCTCCCGGCTGAGCGCGTACACCTTGTGCGGGTCGGCCGGGTC-3'

ClinVar aggregate classification (germline): Uncertain significance (1 of 4 stars; one submission).

Conditions:
Immunodeficiency 39 (IMD39). Identifiers: Orphanet 574918, MedGen C4225358, MONDO:0014597, OMIM 616345.

gnomAD v4.1: 2 of 1,532,700 alleles (0.00013%); highest among the groups gnomAD compares: African/African-American, 0.0014%; no homozygotes.

Submission:

Labcorp Genetics (formerly Invitae), Labcorp
Classification: Uncertain significance for Immunodeficiency 39. Last evaluated: 2023-07-07. Review status: criteria provided, single submitter. Criteria: Invitae Variant Classification Sherloc (09022015). Collection method: clinical testing. Allele origin: germline.
Comment: This sequence change falls in intron 2 of the IRF7 gene. It does not directly change the encoded amino acid sequence of the IRF7 protein. It affects a nucleotide within the consensus splice site. This variant is not present in population databases (gnomAD no frequency). In summary, the available evidence is currently insufficient to determine the role of this variant in disease. Therefore, it has been classified as a Variant of Uncertain Significance. Variants that disrupt the consensus splice site are a relatively common cause of aberrant splicing (PMID: 17576681, 9536098). Algorithms developed to predict the effect of sequence changes on RNA splicing suggest that this variant is not likely to affect RNA splicing. ClinVar contains an entry for this variant (Variation ID: 1506746). This variant has not been reported in the literature in individuals affected with IRF7-related conditions.

Literature cited by the submitters: PubMed 17576681; PubMed 9536098.